The following is an entry in ClinVar:

ClinVar aggregate classification (germline): Uncertain significance (1 of 4 stars; one submission).

Conditions:
Autosomal dominant polycystic kidney disease. Identifiers: Orphanet 730, MedGen C0085413, MONDO:0004691.

gnomAD v4.1: 3 of 1,502,392 alleles (0.0002%); highest among the groups gnomAD compares: East Asian, 0.0052%; no homozygotes.

Submission:

Labcorp Genetics (formerly Invitae), Labcorp
Classification: Uncertain significance for Autosomal dominant polycystic kidney disease. Last evaluated: 2025-12-13. Review status: criteria provided, single submitter. Criteria: Invitae Variant Classification Sherloc (09022015). Collection method: clinical testing. Allele origin: germline.
Comment: This sequence change falls in intron 1 of the PKD2 gene. It does not directly change the encoded amino acid sequence of the PKD2 protein. It affects a nucleotide within the consensus splice site. This variant is not present in population databases (gnomAD no frequency). This variant has not been reported in the literature in individuals affected with PKD2-related conditions. Variants that disrupt the consensus splice site are a relatively common cause of aberrant splicing (PMID: 17576681, 9536098). Algorithms developed to predict the effect of sequence changes on RNA splicing suggest that this variant is not likely to affect RNA splicing. In summary, the available evidence is currently insufficient to determine the role of this variant in disease. Therefore, it has been classified as a Variant of Uncertain Significance.

Literature cited by the submitters: PubMed 17576681; PubMed 9536098.

NM_000297.4(PKD2):c.595+6A>G

Gene: PKD2 (polycystin 2, transient receptor potential cation channel; plus strand). Cytogenetic location: 4q22.1.
Variant type: single nucleotide variant.
Coding change: c.595+6A>G on transcript NM_000297.4 (MANE Select); 6 bases into the intron after coding-DNA position 595, A replaced by G.
Molecular consequence: intron variant.
Genome position (GRCh38, 1-based): chr4:88,008,334, A>G. VCF-style: chr4-88008334-A-G. GRCh37 (hg19) VCF-style: chr4-88929486-A-G.
Other names: c.595+6A>G (NM_001440544.1).
Identifiers: ClinVar variation 4710090 (VCV004710090.1).
Genomic context (GRCh38, chr4:88,008,334, plus strand): 5'-GAAGGGCAGCCGCCCCGAGTGGCCTGGGCGGAGAGGCTGGTTCGCGGGCTGCGAGGTAAG[A>G]GCGCGCGACCCGCAGCGGCAGATGCACGAACCAGAACGGCCGGCGCCGGCCGGGGCCATC-3'